The following is an entry in ClinVar:

NM_020911.2(PLXNA4):c.2586+7C>A

Gene: PLXNA4 (plexin A4; minus strand). Cytogenetic location: 7q32.3.
Variant type: single nucleotide variant.
Coding change: c.2586+7C>A on transcript NM_020911.2 (MANE Select); 7 bases into the intron after coding-DNA position 2586, C replaced by A.
Molecular consequence: intron variant.
Genome position (GRCh38, 1-based): chr7:132,202,639, G>T on the plus strand (C>A on the coding strand, the complement: PLXNA4 is on the minus strand). VCF-style: chr7-132202639-G-T. GRCh37 (hg19) VCF-style: chr7-131887398-G-T.
Other names: c.2586+7C>A (NM_001393897.1).
Identifiers: ClinVar variation 4999008 (VCV004999008.1).

ClinVar aggregate classification (germline): Likely benign (1 of 4 stars; one submission).

Conditions:
PLXNA4-related disorder. Also called: PLXNA4-related condition.

Submission:

PreventionGenetics, part of Exact Sciences
Classification: Likely benign for PLXNA4-related condition. Last evaluated: 2024-11-06. Review status: criteria provided, single submitter. Criteria: ACMG Guidelines, 2015. Collection method: clinical testing. Allele origin: germline.
Comment: This variant is classified as likely benign based on ACMG/AMP sequence variant interpretation guidelines (Richards et al. 2015 PMID: 25741868, with internal and published modifications).